The following is an entry in ClinVar:

NM_000038.6(APC):c.3153A>T (p.Arg1051Ser)

Gene: APC (APC regulator of Wnt signaling pathway; plus strand). Cytogenetic location: 5q22.2.
Variant type: single nucleotide variant.
Coding change: c.3153A>T on transcript NM_000038.6 (MANE Select); coding-DNA position 3153, A replaced by T.
Protein change: p.Arg1051Ser; replaces arginine 1051 with serine.
Molecular consequence: missense variant.
Genome position (GRCh38, 1-based): chr5:112,838,747, A>T. VCF-style: chr5-112838747-A-T. GRCh37 (hg19) VCF-style: chr5-112174444-A-T.
Other names: c.3153A>T, p.Arg1051Ser (NM_001127510.3, NM_001354895.2, NM_001407450.1); c.3099A>T, p.Arg1033Ser (NM_001127511.3); c.3207A>T, p.Arg1069Ser (NM_001354896.2, NM_001407447.1, NM_001407448.1 and 1 more transcripts); c.3183A>T, p.Arg1061Ser (NM_001354897.2); c.3078A>T, p.Arg1026Ser (NM_001354898.2); c.3069A>T, p.Arg1023Ser (NM_001354899.2); c.3030A>T, p.Arg1010Ser (NM_001354900.2); c.2976A>T, p.Arg992Ser (NM_001354901.2, NM_001407453.1); and 11 more; short protein forms R1010S, R1023S, R1026S, R1033S, R1041S, R1044S, R1051S, R1061S.
Identifiers: ClinVar variation 1719661 (VCV001719661.6), dbSNP rs2533474964, ClinGen allele CA16028242.

ClinVar aggregate classification (germline): Uncertain significance (1 of 4 stars; one submission).

Conditions:
Familial adenomatous polyposis 1 (FAP1). Also called: FAMILIAL ADENOMATOUS POLYPOSIS 1, ATTENUATED; POLYPOSIS, ADENOMATOUS INTESTINAL. Identifiers: MedGen C2713442, MONDO:0021056, OMIM 175100. Disease mechanism: loss of function.

Submission:

Labcorp Genetics (formerly Invitae), Labcorp
Classification: Uncertain significance for Familial adenomatous polyposis 1. Last evaluated: 2022-09-21. Review status: criteria provided, single submitter. Criteria: Invitae Variant Classification Sherloc (09022015). Collection method: clinical testing. Allele origin: germline.
Comment: In summary, the available evidence is currently insufficient to determine the role of this variant in disease. Therefore, it has been classified as a Variant of Uncertain Significance. Advanced modeling of protein sequence and biophysical properties (such as structural, functional, and spatial information, amino acid conservation, physicochemical variation, residue mobility, and thermodynamic stability) performed at Invitae indicates that this missense variant is not expected to disrupt APC protein function. This variant has not been reported in the literature in individuals affected with APC-related conditions. This variant is not present in population databases (gnomAD no frequency). This sequence change replaces arginine, which is basic and polar, with serine, which is neutral and polar, at codon 1051 of the APC protein (p.Arg1051Ser).